The following is an entry in ClinVar:

ClinVar aggregate classification (germline): Pathogenic. Review status: criteria provided, multiple submitters, no conflicts (2 of 4 stars). 9 submissions from 9 submitters: Pathogenic (6). 3 of the submissions do not count toward it. Last evaluated 2026-08-01.

Conditions:
Familial focal epilepsy with variable foci (FPEVF). Identifiers: Orphanet 98820, MedGen C1858477, MONDO:0020310.
Epilepsy, familial focal, with variable foci 1 (FFEVF1). Also called: DEPDC5-Related Epilepsy. Identifiers: MedGen C4551983, MONDO:0024556, OMIM 604364.
DEPDC5-Related Focal Cortical Dysplasia. Identifiers: MedGen CN381426.
DEPDC5-Related Hemimegalencephaly. Identifiers: MedGen CN381427.
Seizure. Also called: Seizures. Identifiers: MedGen C0036572, HP:0001250.

Submissions (9):

CeGaT Center for Human Genetics Tuebingen
Classification: Pathogenic. Last evaluated: 2026-08-01. Review status: criteria provided, single submitter. Criteria: CeGaT Center For Human Genetics Tuebingen Variant Classification Criteria Version 2. Collection method: clinical testing. Allele origin: germline. Affected: yes. Observed: 2 variant alleles.
Comment: DEPDC5: PVS1, PM2, PP1, PS4:Supporting

3billion
Classification: Pathogenic for Epilepsy, familial focal, with variable foci 1. Last evaluated: 2025-03-16. Review status: criteria provided, single submitter. Criteria: ACMG Guidelines, 2015. Collection method: clinical testing. Allele origin: germline. Affected: yes.
Comment: The variant is not observed in the gnomAD v4.1.0 dataset. Predicted Consequence/Location: Stop-gained (nonsense): predicted to result in a loss or disruption of normal protein function through nonsense-mediated decay (NMD) or protein truncation. Multiple pathogenic variants are reported downstream of the variant. The variant has been reported at least twice as pathogenic with clinical assertions and evidence for the classification (ClinVar ID: VCV000050824 / PMID: 23542701). Therefore, this variant is classified as Pathogenic according to the recommendation of ACMG/AMP guideline.

GeneDx
Classification: Pathogenic. Last evaluated: 2024-05-29. Review status: criteria provided, single submitter. Criteria: GeneDx Variant Classification Process June 2021. Collection method: clinical testing. Allele origin: germline. Affected: yes.
Comment: Identified in a patient with focal cortical dysplasia and a family with familial focal epilepsy with variable foci (FFEVF); however, asymptomatic family members also carried the variant, indicating incomplete penetrance (PMID: 23542701, 31444548); Nonsense variant predicted to result in protein truncation or nonsense mediated decay in a gene for which loss of function is a known mechanism of disease; Not observed at significant frequency in large population cohorts (gnomAD); This variant is associated with the following publications: (PMID: 25623524, 30093711, 31444548, 29761115, 32848577, 10825362, 23542697, 34055363, 33461085, 35163267, 37489029, 23542701)

Labcorp Genetics (formerly Invitae), Labcorp
Classification: Pathogenic for Familial focal epilepsy with variable foci. Last evaluated: 2024-04-05. Review status: criteria provided, single submitter. Criteria: Invitae Variant Classification Sherloc (09022015). Collection method: clinical testing. Allele origin: germline.
Comment: This sequence change creates a premature translational stop signal (p.Arg239*) in the DEPDC5 gene. It is expected to result in an absent or disrupted protein product. Loss-of-function variants in DEPDC5 are known to be pathogenic (PMID: 23542697, 23542701). This variant is not present in population databases (gnomAD no frequency). This premature translational stop signal has been observed in individual(s) with familial focal epilepsy with variable foci (PMID: 23542701). It has also been observed to segregate with disease in related individuals. ClinVar contains an entry for this variant (Variation ID: 50824). For these reasons, this variant has been classified as Pathogenic.

Cytogénomique, Hospices Civils de Lyon
Classification: Pathogenic for Seizures. Last evaluated: 2023-11-27. Review status: criteria provided, single submitter. Criteria: ACMG Guidelines, 2015. Collection method: clinical testing. Allele origin: unknown. Affected: yes. Observed: 1 variant allele, 1 compound heterozygote.

Juno Genomics, Hangzhou Juno Genomics, Inc
Classification: Pathogenic for Epilepsy, familial focal, with variable foci 1. Review status: criteria provided, single submitter. Criteria: ACMG Guidelines, 2015. Collection method: clinical testing. Allele origin: germline. Affected: yes.
Comment: Null variant in a gene where loss of function (LOF) is a known mechanism of disease.;Absent from controls (or at extremely low frequency if recessive) in Genome Aggregation Database, Exome Sequencing Project, 1000 Genomes Project, or Exome Aggregation Consortium.;The prevalence of the variant in affected individuals is significantly increased compared to the prevalence in controls.

OMIM
Classification: Pathogenic for EPILEPSY, FAMILIAL FOCAL, WITH VARIABLE FOCI 1. Last evaluated: 2015-04-01. Review status: no assertion criteria provided. Collection method: literature only. Allele origin: unknown. Not counted in ClinVar's aggregate classification.

Diagnostic Laboratory, Strasbourg University Hospital
Classification: Pathogenic for Seizure. Review status: no assertion criteria provided. Collection method: clinical testing. Allele origin: germline. Affected: yes. Observed: 1 heterozygote. Not counted in ClinVar's aggregate classification.

GeneReviews
No classification provided. Condition: Epilepsy, familial focal, with variable foci 1. Review status: no classification provided. Collection method: literature only. Allele origin: germline. Not counted in ClinVar's aggregate classification.

Literature cited by the submitters: PubMed 23542701 (cited by 3 submitters); PubMed 23542697 (cited by Labcorp Genetics (formerly Invitae), Labcorp); Picard, F., Baulac, S., Kahane, P., Hirsch, E., Sebastianelli, R., Thomas, P., Vigevano, F., Genton, P., Guerrini, R., Gericke, C. A., An, I., Rudolf, G., Herman, A., Brice, A., Marescaux, C., LeGuern, E. Dominant partial epilepsies: a clinical, electrophysiological and genetic study of 19 European families. Brain 123: 1247-1262, 2000. (cited by OMIM); Ishida, S., Picard, F., Rudolf, G., Noe, E., Achaz, G., Thomas, P., Genton, P., Mundwiller, E., Wolff, M., Marescaux, C., Miles, R., Baulac, M., Hirsch, E., Leguern, E., Baulac, S. Mutations of DEPDC5 cause autosomal dominant focal epilepsies. Nature Genet. 45: 552-555, 2013. (cited by OMIM); Baulac, S., Ishida, S., Marsan, E., Miquel, C., Biraben, A., Nguyen, D. K., Nordli, D., Cossette, P., Nguyen, S., Lambrecq, V., Vlaicu, M., Daniau, M., Bielle, F., Andermann, E., Andermann, F., Leguern, E., Chassoux, F., Picard, F. Familial focal epilepsy with focal cortical dysplasia due to DEPDC5 mutations. Ann. Neurol. 77: 675-683, 2015. (cited by OMIM); Liu, L., Chen, Z.-R., Xu, H.-Q., Liu, D.-T., Mao, Y., Liu, H.-K., Liu, X.-R., Zhou, P., Lin, S.-M., Li, B., He, N., Su, T., Zhai, Q.-X., Meng, H., Liao, W.-P., Yi, Y.-H. DEPDC5 variants associated malformations of cortical development and focal epilepsy with febrile seizure plus/febrile seizures: the role of molecular sub-regional effect. Front. Neurosci. 14: 821, 2020. (cited by OMIM); PubMed 25623524 (cited by GeneReviews); NCBI Bookshelf NBK385626 (cited by GeneReviews).

NM_001242896.3(DEPDC5):c.715C>T (p.Arg239Ter)

Gene: DEPDC5 (DEP domain containing 5, GATOR1 subcomplex subunit; plus strand). Cytogenetic location: 22q12.2.
Variant type: single nucleotide variant.
Coding change: c.715C>T on transcript NM_001242896.3 (MANE Select); coding-DNA position 715, C replaced by T.
Protein change: p.Arg239Ter; replaces arginine 239 with a stop codon.
Molecular consequence: nonsense. On other transcripts: non-coding transcript variant (5).
Genome position (GRCh38, 1-based): chr22:31,792,765, C>T. VCF-style: chr22-31792765-C-T. GRCh37 (hg19) VCF-style: chr22-32188751-C-T.
Other names: c.715C>T, p.Arg239Ter (NM_001007188.4, NM_001136029.4, NM_001242897.2 and 7 more transcripts); c.631C>T, p.Arg211Ter (NM_001369901.1, NM_001369902.1); short protein forms R239*, R211*.
Identifiers: ClinVar variation 50824 (VCV000050824.43), dbSNP rs587776976, ClinGen allele CA143796.